The following is an entry in ClinVar:

ClinVar aggregate classification (germline): Uncertain significance (1 of 4 stars; one submission).

Allele frequency attached by ClinVar (database versions not stated): ESP Exome Variant Server 0.00008.

Submission:

Labcorp Genetics (formerly Invitae), Labcorp
Classification: Uncertain significance. Last evaluated: 2022-05-16. Review status: criteria provided, single submitter. Criteria: Invitae Variant Classification Sherloc (09022015). Collection method: clinical testing. Allele origin: germline.
Comment: In summary, the available evidence is currently insufficient to determine the role of this variant in disease. Therefore, it has been classified as a Variant of Uncertain Significance. Algorithms developed to predict the effect of missense changes on protein structure and function are either unavailable or do not agree on the potential impact of this missense change (SIFT: "Deleterious"; PolyPhen-2: "Possibly Damaging"; Align-GVGD: "Class C0"). This variant has not been reported in the literature in individuals affected with TMEM38B-related conditions. This variant is present in population databases (rs180727502, gnomAD no frequency). This sequence change replaces glycine, which is neutral and non-polar, with aspartic acid, which is acidic and polar, at codon 140 of the TMEM38B protein (p.Gly140Asp).

NM_018112.3(TMEM38B):c.419G>A (p.Gly140Asp)

Gene: TMEM38B (transmembrane protein 38B; plus strand). Cytogenetic location: 9q31.2.
Variant type: single nucleotide variant.
Coding change: c.419G>A on transcript NM_018112.3 (MANE Select); coding-DNA position 419, G replaced by A.
Protein change: p.Gly140Asp; replaces glycine 140 with aspartic acid.
Molecular consequence: missense variant.
Genome position (GRCh38, 1-based): chr9:105,721,686, G>A. VCF-style: chr9-105721686-G-A. GRCh37 (hg19) VCF-style: chr9-108483967-G-A.
Other names: short protein forms G140D.
Identifiers: ClinVar variation 1384570 (VCV001384570.5), dbSNP rs180727502, ClinGen allele CA5170861.
Genomic context (GRCh38, chr9:105,721,686, plus strand): 5'-TGACCAGAACTTGGAAAATAGTAGGTGGAGTCACACATGCTAATAGCTATTACAAAAATG[G>A]CTGGATAGTCATGATAGCTATTGGATGGGCCCGAGGTAATATTGACAATATGTGTTCATA-3'
Protein context (NP_060582.1, residues 130-150): VTHANSYYKN[Gly140Asp]WIVMIAIGWA